The following is an entry in ClinVar:

ClinVar aggregate classification (germline): Uncertain significance (1 of 4 stars; one submission).

Conditions:
Myopathy, centronuclear, 2 (CNM2). Also called: MYOTUBULAR MYOPATHY, AUTOSOMAL RECESSIVE. Identifiers: Orphanet 169186, MedGen CN031787, MONDO:0009709, OMIM 255200.

Submission:

Labcorp Genetics (formerly Invitae), Labcorp
Classification: Uncertain significance for Myopathy, centronuclear, 2. Last evaluated: 2023-12-11. Review status: criteria provided, single submitter. Criteria: Invitae Variant Classification Sherloc (09022015). Collection method: clinical testing. Allele origin: germline.
Comment: This sequence change replaces glutamic acid, which is acidic and polar, with aspartic acid, which is acidic and polar, at codon 379 of the BIN1 protein (p.Glu379Asp). This variant is not present in population databases (gnomAD no frequency). This variant has not been reported in the literature in individuals affected with BIN1-related conditions. Algorithms developed to predict the effect of missense changes on protein structure and function output the following: SIFT: "Not Available"; PolyPhen-2: "Benign"; Align-GVGD: "Not Available". The aspartic acid amino acid residue is found in multiple mammalian species, which suggests that this missense change does not adversely affect protein function. In summary, the available evidence is currently insufficient to determine the role of this variant in disease. Therefore, it has been classified as a Variant of Uncertain Significance.

NM_139343.3(BIN1):c.1137G>T (p.Glu379Asp)

Gene: BIN1 (bridging integrator 1; minus strand). Cytogenetic location: 2q14.3.
Variant type: single nucleotide variant.
Coding change: c.1137G>T on transcript NM_139343.3 (MANE Select); coding-DNA position 1137, G replaced by T.
Protein change: p.Glu379Asp; replaces glutamic acid 379 with aspartic acid.
Molecular consequence: missense variant. On other transcripts: intron variant (12).
Genome position (GRCh38, 1-based): chr2:127,054,007, C>A on the plus strand (G>T on the coding strand, the complement: BIN1 is on the minus strand). VCF-style: chr2-127054007-C-A. GRCh37 (hg19) VCF-style: chr2-127811583-C-A.
Other names: c.1044G>T, p.Glu348Asp (NM_001320641.2); c.1056G>T, p.Glu352Asp (NM_001320642.1); c.1008G>T, p.Glu336Asp (NM_139344.3); c.838-3095G>T (NM_001320634.1); c.910-3095G>T (NM_139351.3); c.910-2764G>T (NM_139350.3); c.910-1645G>T (NM_139349.3); c.1039-2764G>T (NM_139348.3); and 7 more; short protein forms E348D, E352D, E379D, E336D.
Identifiers: ClinVar variation 2811376 (VCV002811376.3), dbSNP rs1460783488, ClinGen allele CA348377209.
Genomic context (GRCh38, chr2:127,054,007, plus strand): 5'-CGGGAGGGGGTCAAAGTCCAGGTCCAGCAGACTGGCCTGCTCCGAGAAAGGCCCCGGGGC[C>A]TCAAACTTGGCAGCAGCAGCAGCAGCAGAGGAGGAAGCAGTTAGTGTTAAGCTGGGAGCC-3'
Protein context (NP_647593.1, residues 369-389): EISVTTPSQF[Glu379Asp]APGPFSEQAS